The following is an entry in ClinVar:

ClinVar aggregate classification (germline): Pathogenic. Review status: criteria provided, multiple submitters, no conflicts (2 of 4 stars). 2 submissions from 2 submitters: Pathogenic (2). Last evaluated 2021-09-29.

Conditions:
Hereditary cancer-predisposing syndrome. Also called: Neoplastic Syndromes, Hereditary; Hereditary Cancer Syndrome; Hereditary neoplastic syndrome; Tumor predisposition. Identifiers: Orphanet 140162, MedGen C0027672, MeSH D009386, MONDO:0015356.

Submissions (2):

Labcorp Genetics (formerly Invitae), Labcorp
Classification: Pathogenic for Hereditary cancer-predisposing syndrome. Last evaluated: 2021-09-29. Review status: criteria provided, single submitter. Criteria: Invitae Variant Classification Sherloc (09022015). Collection method: clinical testing. Allele origin: germline.
Comment: For these reasons, this variant has been classified as Pathogenic. This variant has not been reported in the literature in individuals with RAD50-related conditions. This variant is not present in population databases (ExAC no frequency). This sequence change creates a premature translational stop signal (p.Thr690Argfs*29) in the RAD50 gene. It is expected to result in an absent or disrupted protein product. Loss-of-function variants in RAD50 are known to be pathogenic (PMID: 16385572, 19409520).

Ambry Genetics
Classification: Pathogenic for Hereditary cancer-predisposing syndrome. Last evaluated: 2021-05-11. Review status: criteria provided, single submitter. Criteria: Ambry Variant Classification Scheme 2023. Collection method: clinical testing. Allele origin: germline.
Comment: The c.2069_2072delCAGA pathogenic mutation, located in coding exon 13 of the RAD50 gene, results from a deletion of 4 nucleotides at nucleotide positions 2069 to 2072, causing a translational frameshift with a predicted alternate stop codon (p.T690Rfs*29). This alteration is expected to result in loss of function by premature protein truncation or nonsense-mediated mRNA decay. As such, this alteration is interpreted as a disease-causing mutation.

Literature cited by the submitters: PubMed 16385572 (cited by Labcorp Genetics (formerly Invitae), Labcorp); PubMed 19409520 (cited by Labcorp Genetics (formerly Invitae), Labcorp).

NM_005732.4(RAD50):c.2069_2072del (p.Thr690fs)

Gene: RAD50 (RAD50 double strand break repair protein; plus strand). Cytogenetic location: 5q31.1.
Variant type: Microsatellite.
Coding change: c.2069_2072del on transcript NM_005732.4 (MANE Select); coding-DNA positions 2069 to 2072, 4 bases deleted (CAGA; older notation c.2069_2072delCAGA).
Protein change: p.Thr690fs; shifts the reading frame from threonine 690.
Molecular consequence: frameshift variant.
Genome position (GRCh38, 1-based): chr5:132,595,672-132,595,675, CAGA deleted; deleting any 4 consecutive bases within chr5:132,595,668-132,595,675 gives the same sequence; the c. name uses the placement nearest the transcript's 3' end. VCF-style (leftmost placement, unchanged base first): chr5-132595667-TCAGA-T. GRCh37 (hg19) VCF-style: chr5-131931359-TCAGA-T.
Other names: short protein forms T690fs.
Identifiers: ClinVar variation 1437625 (VCV001437625.8), dbSNP rs2149844090, ClinGen allele CA2580613657.
Genomic context (GRCh38, chr5:132,595,667, plus strand): 5'-GTTCATTACTCAGCTAACAGACGAAAACCAGTCATGTTGCCCCGTTTGTCAGAGAGTTTT[TCAGA>T]CAGAGGCTGAGTTACAAGAAGTCATCAGTGATTTGCAGTCTAAACTGCGACTTGCTCCAG-3'